The following is an entry in ClinVar:

NM_001457.4(FLNB):c.3240G>A (p.Pro1080=)

Gene: FLNB (filamin B; plus strand). Cytogenetic location: 3p14.3.
Variant type: single nucleotide variant.
Coding change: c.3240G>A on transcript NM_001457.4 (MANE Select); coding-DNA position 3240, G replaced by A.
Protein change: p.Pro1080=; no amino-acid change (proline 1080 retained).
Molecular consequence: synonymous variant.
Genome position (GRCh38, 1-based): chr3:58,123,206, G>A. VCF-style: chr3-58123206-G-A. GRCh37 (hg19) VCF-style: chr3-58108933-G-A.
Other names: c.3240G>A, p.Pro1080= (NM_001164317.2, NM_001164318.2, NM_001164319.2).
Identifiers: ClinVar variation 346331 (VCV000346331.52), dbSNP rs77989135, ClinGen allele CA2468365.

ClinVar aggregate classification (germline): Benign/Likely benign. Review status: criteria provided, multiple submitters, no conflicts (2 of 4 stars). 9 submissions from 9 submitters: Benign (2); Likely benign (6). 1 of the submissions does not count toward it. Last evaluated 2026-06-01.

Conditions:
FLNB-related disorder. Also called: FLNB-related condition; FLNB-related disorders. Identifiers: MedGen CN381095.
Connective tissue disorder. Also called: Connective tissue disease. Identifiers: MedGen C0009782, MONDO:0003900.
FLNB-Related Spectrum Disorders.

Allele frequency attached by ClinVar (database versions not stated): gnomAD exomes 0.00090; ExAC 0.00106; 1000 Genomes Project 0.00200; 1000 Genomes Project 30x 0.00265; gnomAD 0.00303 and 0.00333; TOPMed 0.00364; ESP Exome Variant Server 0.00392.

Submissions (9):

CeGaT Center for Human Genetics Tuebingen
Classification: Likely benign. Last evaluated: 2026-06-01. Review status: criteria provided, single submitter. Criteria: CeGaT Center For Human Genetics Tuebingen Variant Classification Criteria Version 2. Collection method: clinical testing. Allele origin: germline. Affected: yes. Observed: 2 variant alleles.
Comment: FLNB: BP4, BP7, BS1

Labcorp Genetics (formerly Invitae), Labcorp
Classification: Benign. Last evaluated: 2026-01-27. Review status: criteria provided, single submitter. Criteria: Invitae Variant Classification Sherloc (09022015). Collection method: clinical testing. Allele origin: germline.

Blueprint Genetics
Classification: Likely benign. Last evaluated: 2024-07-11. Review status: criteria provided, single submitter. Criteria: ACMG Guidelines, 2015. Collection method: clinical testing. Allele origin: germline.

ARUP Laboratories, Molecular Genetics and Genomics, ARUP Laboratories
Classification: Benign. Last evaluated: 2023-05-02. Review status: criteria provided, single submitter. Criteria: ARUP Molecular Germline Variant Investigation Process 2024. Collection method: clinical testing. Allele origin: germline.

Genome Diagnostics Laboratory, The Hospital for Sick Children
Classification: Likely benign for Connective tissue disorder. Last evaluated: 2020-03-01. Review status: criteria provided, single submitter. Criteria: ACMG Guidelines, 2015. Collection method: clinical testing. Allele origin: germline.

Illumina Laboratory Services, Illumina
Classification: Likely benign for FLNB-Related Spectrum Disorders. Last evaluated: 2018-01-13. Review status: criteria provided, single submitter. Criteria: ICSL Variant Classification Criteria 13 December 2019. Collection method: clinical testing. Allele origin: germline.
Comment: This variant was observed in the ICSL laboratory as part of a predisposition screen in an ostensibly healthy population. It had not been previously curated by ICSL or reported in the Human Gene Mutation Database (HGMD: prior to June 1st, 2018), and was therefore a candidate for classification through an automated scoring system. Utilizing variant allele frequency, disease prevalence and penetrance estimates, and inheritance mode, an automated score was calculated to assess if this variant is too frequent to cause the disease. Based on the score and internal cut-off values, a variant classified as likely benign is not then subjected to further curation. The score for this variant resulted in a classification of likely benign for this disease.

GeneDx
Classification: Likely benign. Last evaluated: 2017-05-19. Review status: criteria provided, single submitter. Criteria: GeneDx Variant Classification (06012015). Collection method: clinical testing. Allele origin: germline. Affected: yes.
Comment: This variant is considered likely benign or benign based on one or more of the following criteria: it is a conservative change, it occurs at a poorly conserved position in the protein, it is predicted to be benign by multiple in silico algorithms, and/or has population frequency not consistent with disease.

Breakthrough Genomics
Classification: Likely benign. Review status: criteria provided, single submitter. Criteria: ACMG Guidelines, 2015. Collection method: not provided. Allele origin: germline. Inheritance: Autosomal recessive inheritance. Affected: yes.

PreventionGenetics, part of Exact Sciences
Classification: Benign for FLNB-related condition. Last evaluated: 2020-01-02. Review status: no assertion criteria provided. Collection method: clinical testing. Allele origin: germline. Not counted in ClinVar's aggregate classification.
Comment: This variant is classified as benign based on ACMG/AMP sequence variant interpretation guidelines (Richards et al. 2015 PMID: 25741868, with internal and published modifications).